The following is an entry in ClinVar:

NM_015662.3(IFT172):c.2601G>A (p.Gln867=)

Genes: IFT172 (intraflagellar transport 172; minus strand), LOC126806174 (CDK7 strongly-dependent group 2 enhancer GRCh37_chr2:27681686-27682885; plus strand). Cytogenetic location: 2p23.3.
Variant type: single nucleotide variant.
Coding change: c.2601G>A on transcript NM_015662.3 (MANE Select); coding-DNA position 2601, G replaced by A.
Protein change: p.Gln867=; no amino-acid change (glutamine 867 retained).
Molecular consequence: synonymous variant.
Genome position (GRCh38, 1-based): chr2:27,459,750, C>T on the plus strand (G>A on the coding strand, the complement: IFT172 is on the minus strand). VCF-style: chr2-27459750-C-T. GRCh37 (hg19) VCF-style: chr2-27682617-C-T.
Other names: c.2601G>A (NM_015662.2).
Identifiers: ClinVar variation 1080371 (VCV001080371.10), dbSNP rs1406843732, ClinGen allele CA425405812.

ClinVar aggregate classification (germline): Likely benign. Review status: criteria provided, single submitter (1 of 4 stars). 2 submissions from 2 submitters: Likely benign (1). 1 of the submissions does not count toward it. Last evaluated 2022-03-11.

Conditions:
Retinitis pigmentosa 71 (RP71). Identifiers: Orphanet 791, MedGen C4225342, MONDO:0014618, OMIM 616394.
Short-rib thoracic dysplasia 10 with or without polydactyly (SRTD10). Identifiers: Orphanet 474, MedGen C3810175, MONDO:0014284, OMIM 615630.
IFT172-related disorder. Also called: IFT172-related condition; IFT172-related disorders.

Allele frequency attached by ClinVar (database versions not stated): gnomAD 0.00001; gnomAD exomes 0.00001; TOPMed below 0.00001.
gnomAD v4.1: 12 of 1,612,960 alleles (0.00074%); highest among the groups gnomAD compares: Non-Finnish European, 0.001%; no homozygotes.

Submissions (2):

Labcorp Genetics (formerly Invitae), Labcorp
Classification: Likely benign for Retinitis pigmentosa 71; Short-rib thoracic dysplasia 10 with or without polydactyly. Last evaluated: 2022-03-11. Review status: criteria provided, single submitter. Criteria: Invitae Variant Classification Sherloc (09022015). Collection method: clinical testing. Allele origin: germline.

PreventionGenetics, part of Exact Sciences
Classification: Likely benign for IFT172-related condition. Last evaluated: 2022-10-24. Review status: no assertion criteria provided. Collection method: clinical testing. Allele origin: germline. Not counted in ClinVar's aggregate classification.
Comment: This variant is classified as likely benign based on ACMG/AMP sequence variant interpretation guidelines (Richards et al. 2015 PMID: 25741868, with internal and published modifications).